The following is an entry in ClinVar:

NM_002497.4(NEK2):c.229C>T (p.Arg77Trp)

Gene: NEK2 (NIMA related kinase 2; minus strand). Cytogenetic location: 1q32.3.
Variant type: single nucleotide variant.
Coding change: c.229C>T on transcript NM_002497.4 (MANE Select); coding-DNA position 229, C replaced by T.
Protein change: p.Arg77Trp; replaces arginine 77 with tryptophan.
Molecular consequence: missense variant.
Genome position (GRCh38, 1-based): chr1:211,674,381, G>A on the plus strand (C>T on the coding strand, the complement: NEK2 is on the minus strand). VCF-style: chr1-211674381-G-A. GRCh37 (hg19) VCF-style: chr1-211847723-G-A.
Other names: c.229C>T, p.Arg77Trp (NM_001204182.2, NM_001204183.2); short protein forms R77W.
Identifiers: ClinVar variation 1469826 (VCV001469826.9), dbSNP rs149282984, ClinGen allele CA1381733.
Genomic context (GRCh38, chr1:211,674,381, plus strand): 5'-CACTAGCCAGATCCCCTCCTTCACAATATTCCATTACAATGTACAGTGTTGTATTGGTCC[G>A]GTCAATAATCCGATCATAGTAACGAACGATGTTTGGATGTTTCAGTTCACGAAGCAAATT-3'
Protein context (NP_002488.1, residues 67-87): IVRYYDRIID[Arg77Trp]TNTTLYIVME

ClinVar aggregate classification (germline): Uncertain significance. Review status: criteria provided, multiple submitters, no conflicts (2 of 4 stars). 2 submissions from 2 submitters: Uncertain significance (2). Last evaluated 2025-04-09.

Allele frequency attached by ClinVar (database versions not stated): ExAC 0.00001; gnomAD exomes 0.00002; gnomAD 0.00004 and 0.00005; TOPMed 0.00007; ESP Exome Variant Server 0.00008.
gnomAD v4.1: 51 of 1,613,902 alleles (0.0032%); highest among the groups gnomAD compares: African/African-American, 0.008%; no homozygotes.

Submissions (2):

Labcorp Genetics (formerly Invitae), Labcorp
Classification: Uncertain significance. Last evaluated: 2025-04-09. Review status: criteria provided, single submitter. Criteria: Invitae Variant Classification Sherloc (09022015). Collection method: clinical testing. Allele origin: germline.
Comment: This sequence change replaces arginine, which is basic and polar, with tryptophan, which is neutral and slightly polar, at codon 77 of the NEK2 protein (p.Arg77Trp). This variant is present in population databases (rs149282984, gnomAD 0.008%). This variant has not been reported in the literature in individuals affected with NEK2-related conditions. ClinVar contains an entry for this variant (Variation ID: 1469826). An algorithm developed to predict the effect of missense changes on protein structure and function (PolyPhen-2) suggests that this variant is likely to be disruptive. In summary, the available evidence is currently insufficient to determine the role of this variant in disease. Therefore, it has been classified as a Variant of Uncertain Significance.

Blueprint Genetics
Classification: Uncertain significance. Last evaluated: 2022-01-10. Review status: criteria provided, single submitter. Criteria: ACMG Guidelines, 2015. Collection method: clinical testing. Allele origin: germline.